The following is an entry in ClinVar:

ClinVar aggregate classification (germline): Uncertain significance (1 of 4 stars; one submission).

Submission:

Labcorp Genetics (formerly Invitae), Labcorp
Classification: Uncertain significance. Last evaluated: 2026-01-18. Review status: criteria provided, single submitter. Criteria: Invitae Variant Classification Sherloc (09022015). Collection method: clinical testing. Allele origin: germline.
Comment: This sequence change replaces tyrosine, which is neutral and polar, with cysteine, which is neutral and slightly polar, at codon 138 of the JAK1 protein (p.Tyr138Cys). This variant is present in population databases (no rsID available, gnomAD 0.002%). This variant has not been reported in the literature in individuals affected with JAK1-related conditions. Invitae Evidence Modeling of protein sequence and biophysical properties (such as structural, functional, and spatial information, amino acid conservation, physicochemical variation, residue mobility, and thermodynamic stability) indicates that this missense variant is not expected to disrupt JAK1 protein function with a negative predictive value of 80%. In summary, the available evidence is currently insufficient to determine the role of this variant in disease. Therefore, it has been classified as a Variant of Uncertain Significance.

NM_002227.4(JAK1):c.413A>G (p.Tyr138Cys)

Gene: JAK1 (Janus kinase 1; minus strand). Cytogenetic location: 1p31.3.
Variant type: single nucleotide variant.
Coding change: c.413A>G on transcript NM_002227.4 (MANE Select); coding-DNA position 413, A replaced by G.
Protein change: p.Tyr138Cys; replaces tyrosine 138 with cysteine.
Molecular consequence: missense variant.
Genome position (GRCh38, 1-based): chr1:64,873,440, T>C on the plus strand (A>G on the coding strand, the complement: JAK1 is on the minus strand). VCF-style: chr1-64873440-T-C. GRCh37 (hg19) VCF-style: chr1-65339123-T-C.
Other names: c.413A>G, p.Tyr138Cys (NM_001320923.2, NM_001321852.2, NM_001321853.2 and 4 more transcripts); short protein forms Y138C.
Identifiers: ClinVar variation 4693667 (VCV004693667.1).
Genomic context (GRCh38, chr1:64,873,440, plus strand): 5'-AGATACTCCAGTGAGCTGGCATCAAGGAGAGGGGTTGCATCTGGAATCTTTTTTTTCTCG[T>C]AGCCATTTTTCTGCTTCTTTGGAGAATGACGCCACACTGACTGCTCATTGTCGTTGGTTC-3'
Protein context (NP_002218.2, residues 128-148): RHSPKKQKNG[Tyr138Cys]EKKKIPDATP